The following is an entry in ClinVar:

NM_001384732.1(CPLANE1):c.915C>A (p.Pro305=)

Gene: CPLANE1 (ciliogenesis and planar polarity effector complex subunit 1; minus strand). Cytogenetic location: 5p13.2.
Variant type: single nucleotide variant.
Coding change: c.915C>A on transcript NM_001384732.1 (MANE Select); coding-DNA position 915, C replaced by A.
Protein change: p.Pro305=; no amino-acid change (proline 305 retained).
Molecular consequence: synonymous variant.
Genome position (GRCh38, 1-based): chr5:37,238,880, G>T on the plus strand (C>A on the coding strand, the complement: CPLANE1 is on the minus strand). VCF-style: chr5-37238880-G-T. GRCh37 (hg19) VCF-style: chr5-37238982-G-T.
Other names: c.915C>A, p.Pro305= (NM_023073.4).
Identifiers: ClinVar variation 2673013 (VCV002673013.23), dbSNP rs1233332144, ClinGen allele CA443919485.

ClinVar aggregate classification (germline): Likely benign (1 of 4 stars; one submission).

Submission:

CeGaT Center for Human Genetics Tuebingen
Classification: Likely benign. Last evaluated: 2023-12-01. Review status: criteria provided, single submitter. Criteria: CeGaT Center For Human Genetics Tuebingen Variant Classification Criteria Version 2. Collection method: clinical testing. Allele origin: germline. Affected: yes. Observed: 1 variant allele.
Comment: CPLANE1: PM2:Supporting, BP4, BP7